The following is an entry in ClinVar:

ClinVar aggregate classification (germline): Pathogenic (1 of 4 stars; one submission).

Allele frequency attached by ClinVar (database versions not stated): gnomAD exomes 0.00001 and 0.00002.

Submission:

Labcorp Genetics (formerly Invitae), Labcorp
Classification: Pathogenic. Last evaluated: 2025-06-26. Review status: criteria provided, single submitter. Criteria: Invitae Variant Classification Sherloc (09022015). Collection method: clinical testing. Allele origin: germline.
Comment: This sequence change creates a premature translational stop signal (p.Ile303Serfs*3) in the EXOSC9 gene. It is expected to result in an absent or disrupted protein product. Loss-of-function variants in EXOSC9 are known to be pathogenic (PMID: 29727687, 33040083). This variant is present in population databases (no rsID available, gnomAD 0.002%). This variant has not been reported in the literature in individuals affected with EXOSC9-related conditions. ClinVar contains an entry for this variant (Variation ID: 1433763). For these reasons, this variant has been classified as Pathogenic.

Literature cited by the submitters: PubMed 29727687; PubMed 33040083.

NM_005033.3(EXOSC9):c.881_905dup (p.Pro302_Ile303insSerIleTer)

Gene: EXOSC9 (exosome component 9; plus strand). Cytogenetic location: 4q27.
Variant type: Duplication.
Coding change: c.881_905dup on transcript NM_005033.3 (MANE Select); coding-DNA positions 881 to 905, 25 bases duplicated (CAGCATTTAAAATGGAAAAGGCCCC).
Protein change: p.Pro302_Ile303insSerIleTer.
Molecular consequence: nonsense, inframe insertion.
Genome position (GRCh38, 1-based): chr4:121,813,287-121,813,311, CAGCATTTAAAATGGAAAAGGCCCC duplicated. VCF-style (leftmost placement, unchanged base first): chr4-121813286-A-ACAGCATTTAAAATGGAAAAGGCCCC. GRCh37 (hg19) VCF-style: chr4-122734441-A-ACAGCATTTAAAATGGAAAAGGCCCC.
Other names: c.881_905dup, p.Pro302_Ile303insSerIleTer (NM_001034194.2).
Identifiers: ClinVar variation 1433763 (VCV001433763.6), dbSNP rs1176517015, ClinGen allele CA554180390.